The following is an entry in ClinVar:

ClinVar aggregate classification (germline): Likely pathogenic (1 of 4 stars; one submission).

Conditions:
Gaucher disease. Also called: Acute cerebral Gaucher disease; Cerebroside lipidosis syndrome; Gaucher splenomegaly; Sphingolipidosis 1; Glucocerebrosidosis; Glucosylceramidase deficiency. Identifiers: Orphanet 355, MedGen C0017205, MONDO:0018150.

gnomAD v4.1: 1 of 1,613,666 alleles (0.000062%); highest among the groups gnomAD compares: Non-Finnish European, 0.000085%; no homozygotes.

Submission:

Natera, Inc.
Classification: Likely pathogenic for Gaucher disease. Last evaluated: 2025-12-22. Review status: criteria provided, single submitter. Criteria: Natera Variant Classification Schema (03/2026). Collection method: clinical testing. Allele origin: germline.
Comment: The c.656C>T variant in GBA1 is a missense variant predicted to cause substitution of threonine to isoleucine at amino acid 219. This variant is rare in the general population with a frequency below the threshold expected for the associated phenotype(s). This variant has been observed in one or more individuals affected with the associated recessive disease, as either homozygous or compound heterozygous with a second variant (PMID: 30764785). This variant has been identified in one or more affected individual with a phenotype highly consistent with the associated gene (PMID: 30764785). Computational prediction algorithms indicate this variant is likely to affect gene or protein function. Given the available evidence, this variant is classified as Likely Pathogenic.

Literature cited by the submitters: PubMed 30764785.

NM_000157.4(GBA1):c.656C>T (p.Thr219Ile)

Genes: GBA1 (glucosylceramidase beta 1; minus strand), LOC106627981 (GBA recombination region; plus strand). Cytogenetic location: 1q22.
Variant type: single nucleotide variant.
Coding change: c.656C>T on transcript NM_000157.4 (MANE Select); coding-DNA position 656, C replaced by T.
Protein change: p.Thr219Ile; replaces threonine 219 with isoleucine.
Molecular consequence: missense variant.
Genome position (GRCh38, 1-based): chr1:155,238,239, G>A on the plus strand (C>T on the coding strand, the complement: GBA1 is on the minus strand). VCF-style: chr1-155238239-G-A. GRCh37 (hg19) VCF-style: chr1-155208030-G-A.
Other names: c.656C>T, p.Thr219Ile (NM_001005741.3, NM_001005742.3); c.395C>T, p.Thr132Ile (NM_001171811.2); c.509C>T, p.Thr170Ile (NM_001171812.2); short protein forms T132I, T170I, T219I.
Identifiers: ClinVar variation 4817788 (VCV004817788.1).
Genomic context (GRCh38, chr1:155,238,239, plus strand): 5'-TGTCCCTTGAGTGACCCCTTCCCATTCACCGCTCCATTGGTCTTGAGCCAAGTGGGTGAT[G>A]TCCAGGGGCTGGCAAGGAGTGAAACGGGACGCTGGGCCAACTGCAGGGCTCGGTGAATCA-3'
Protein context (NP_000148.2, residues 209-229): RPVSLLASPW[Thr219Ile]SPTWLKTNGA